The following is an entry in ClinVar:

NM_001113378.2(FANCI):c.917G>C (p.Ser306Thr)

Gene: FANCI (FA complementation group I; plus strand). Cytogenetic location: 15q26.1.
Variant type: single nucleotide variant.
Coding change: c.917G>C on transcript NM_001113378.2 (MANE Select); coding-DNA position 917, G replaced by C.
Protein change: p.Ser306Thr; replaces serine 306 with threonine.
Molecular consequence: missense variant.
Genome position (GRCh38, 1-based): chr15:89,273,411, G>C. VCF-style: chr15-89273411-G-C. GRCh37 (hg19) VCF-style: chr15-89816642-G-C.
Other names: c.638G>C, p.Ser213Thr (NM_001376910.1); c.917G>C, p.Ser306Thr (NM_001376911.1, NM_018193.3); short protein forms S306T, S213T.
Identifiers: ClinVar variation 3706440 (VCV003706440.2).
Genomic context (GRCh38, chr15:89,273,411, plus strand): 5'-ACTTCCTTTTGGTTGCTCTCTTCTAGGTAGGACAGCAAGGAGATTCCAATAATAACTTAA[G>C]TCCCTTCAGCATTGCTCTTCTTCTGTCTGTAACAAGAATACAAAGATTTCAGGACCAGGT-3'
Protein context (NP_001106849.1, residues 296-316): GQQGDSNNNL[Ser306Thr]PFSIALLLSV

ClinVar aggregate classification (germline): Uncertain significance (1 of 4 stars; one submission).

Conditions:
Fanconi anemia (FA). Also called: Fanconi's anemia. Identifiers: Orphanet 84, MedGen C0015625, MeSH D005199, MONDO:0019391.

Submission:

Labcorp Genetics (formerly Invitae), Labcorp
Classification: Uncertain significance for Fanconi anemia. Last evaluated: 2024-02-12. Review status: criteria provided, single submitter. Criteria: Invitae Variant Classification Sherloc (09022015). Collection method: clinical testing. Allele origin: germline.
Comment: This sequence change replaces serine, which is neutral and polar, with threonine, which is neutral and polar, at codon 306 of the FANCI protein (p.Ser306Thr). This variant is not present in population databases (gnomAD no frequency). This variant has not been reported in the literature in individuals affected with FANCI-related conditions. Advanced modeling of protein sequence and biophysical properties (such as structural, functional, and spatial information, amino acid conservation, physicochemical variation, residue mobility, and thermodynamic stability) performed at Invitae indicates that this missense variant is not expected to disrupt FANCI protein function with a negative predictive value of 80%. In summary, the available evidence is currently insufficient to determine the role of this variant in disease. Therefore, it has been classified as a Variant of Uncertain Significance.